The following is an entry in ClinVar:

NM_058216.3(RAD51C):c.1093A>T (p.Thr365Ser)

Gene: RAD51C (RAD51 paralog C; plus strand). Cytogenetic location: 17q22.
Variant type: single nucleotide variant.
Coding change: c.1093A>T on transcript NM_058216.3 (MANE Select); coding-DNA position 1093, A replaced by T.
Protein change: p.Thr365Ser; replaces threonine 365 with serine.
Molecular consequence: missense variant. On other transcripts: non-coding transcript variant (1).
Genome position (GRCh38, 1-based): chr17:58,734,184, A>T. VCF-style: chr17-58734184-A-T. GRCh37 (hg19) VCF-style: chr17-56811545-A-T.
Other names: short protein forms T365S.
Identifiers: ClinVar variation 1467471 (VCV001467471.6), dbSNP rs1350543873, ClinGen allele CA400366433.

ClinVar aggregate classification (germline): Uncertain significance (1 of 4 stars; one submission).

Conditions:
Fanconi anemia complementation group O. Also called: RAD51C-Related Fanconi Anemia. Identifiers: Orphanet 84, MedGen C3150653, MONDO:0013248, OMIM 613390.

Submission:

Labcorp Genetics (formerly Invitae), Labcorp
Classification: Uncertain significance for Fanconi anemia complementation group O. Last evaluated: 2021-08-12. Review status: criteria provided, single submitter. Criteria: Invitae Variant Classification Sherloc (09022015). Collection method: clinical testing. Allele origin: germline.
Comment: Algorithms developed to predict the effect of missense changes on protein structure and function output the following: SIFT: "Tolerated"; PolyPhen-2: "Benign"; Align-GVGD: "Class C0". The serine amino acid residue is found in multiple mammalian species, which suggests that this missense change does not adversely affect protein function. In summary, the available evidence is currently insufficient to determine the role of this variant in disease. Therefore, it has been classified as a Variant of Uncertain Significance. This variant has not been reported in the literature in individuals affected with RAD51C-related conditions. This sequence change replaces threonine with serine at codon 365 of the RAD51C protein (p.Thr365Ser). The threonine residue is weakly conserved and there is a small physicochemical difference between threonine and serine. This variant is not present in population databases (ExAC no frequency).